The following is an entry in ClinVar:

NM_001394062.1(MACF1):c.14090A>G (p.Glu4697Gly)

Gene: MACF1 (microtubule actin crosslinking factor 1; plus strand). Cytogenetic location: 1p34.3.
Variant type: single nucleotide variant.
Coding change: c.14090A>G on transcript NM_001394062.1 (MANE Select); coding-DNA position 14090, A replaced by G.
Protein change: p.Glu4697Gly; replaces glutamic acid 4697 with glycine.
Molecular consequence: missense variant.
Genome position (GRCh38, 1-based): chr1:39,385,675, A>G. VCF-style: chr1-39385675-A-G. GRCh37 (hg19) VCF-style: chr1-39851347-A-G.
Other names: c.7904A>G, p.Glu2635Gly (NM_012090.5); short protein forms E2635G, E4697G.
Identifiers: ClinVar variation 3253418 (VCV003253418.2), dbSNP rs2522623164.

ClinVar aggregate classification (germline): Uncertain significance (1 of 4 stars; one submission).

Submission:

GeneDx
Classification: Uncertain significance. Last evaluated: 2025-04-16. Review status: criteria provided, single submitter. Criteria: GeneDx Variant Classification Process June 2021. Collection method: clinical testing. Allele origin: germline.
Comment: Not observed at significant frequency in large population cohorts (gnomAD); In silico analysis supports that this missense variant has a deleterious effect on protein structure/function; Has not been previously published as pathogenic or benign to our knowledge